The following is an entry in ClinVar:

NM_000836.4(GRIN2D):c.2791C>G (p.Pro931Ala)

Gene: GRIN2D (glutamate ionotropic receptor NMDA type subunit 2D; plus strand). Cytogenetic location: 19q13.33.
Variant type: single nucleotide variant.
Coding change: c.2791C>G on transcript NM_000836.4 (MANE Select); coding-DNA position 2791, C replaced by G.
Protein change: p.Pro931Ala; replaces proline 931 with alanine.
Molecular consequence: missense variant.
Genome position (GRCh38, 1-based): chr19:48,442,717, C>G. VCF-style: chr19-48442717-C-G. GRCh37 (hg19) VCF-style: chr19-48945974-C-G.
Other names: c.2791C>G (NM_000836.2); short protein forms P931A.
Identifiers: ClinVar variation 2852562 (VCV002852562.5), dbSNP rs1208131908, ClinGen allele CA406673676.

ClinVar aggregate classification (germline): Conflicting classifications of pathogenicity. Review status: criteria provided, conflicting classifications (1 of 4 stars). 3 submissions from 3 submitters: Uncertain significance (2); Likely benign (1). Last evaluated 2024-09-20.

Conditions:
Developmental and epileptic encephalopathy, 46 (DEE46). Also called: Epileptic encephalopathy, early infantile, 46; GRIN2D-Related Developmental and Epileptic Encephalopathy. Identifiers: MedGen C4310687, MONDO:0014947, OMIM 617162.

Submissions (3):

3billion
Classification: Likely benign for Developmental and epileptic encephalopathy, 46. Last evaluated: 2024-09-20. Review status: criteria provided, single submitter. Criteria: ACMG Guidelines, 2015. Collection method: clinical testing. Allele origin: germline. Affected: no.
Comment: The variant was identified in at least one patient who was diagnosed with a different variant in another gene and showed no symptoms related to the gene containing the variant in question.

GeneDx
Classification: Uncertain significance. Last evaluated: 2024-05-13. Review status: criteria provided, single submitter. Criteria: GeneDx Variant Classification Process June 2021. Collection method: clinical testing. Allele origin: germline. Affected: yes.
Comment: Not observed at significant frequency in large population cohorts (gnomAD); In silico analysis indicates that this missense variant does not alter protein structure/function; Has not been previously published as pathogenic or benign to our knowledge

Labcorp Genetics (formerly Invitae), Labcorp
Classification: Uncertain significance. Last evaluated: 2023-04-06. Review status: criteria provided, single submitter. Criteria: Invitae Variant Classification Sherloc (09022015). Collection method: clinical testing. Allele origin: germline.
Comment: The frequency data for this variant in the population databases is considered unreliable, as metrics indicate insufficient coverage at this position in the gnomAD database. In summary, the available evidence is currently insufficient to determine the role of this variant in disease. Therefore, it has been classified as a Variant of Uncertain Significance. Advanced modeling of protein sequence and biophysical properties (such as structural, functional, and spatial information, amino acid conservation, physicochemical variation, residue mobility, and thermodynamic stability) performed at Invitae indicates that this missense variant is not expected to disrupt GRIN2D protein function. This variant has not been reported in the literature in individuals affected with GRIN2D-related conditions. This sequence change replaces proline, which is neutral and non-polar, with alanine, which is neutral and non-polar, at codon 931 of the GRIN2D protein (p.Pro931Ala).